The following is an entry in ClinVar:

NM_000444.6(PHEX):c.874dup (p.Thr292fs)

Gene: PHEX (phosphate regulating endopeptidase X-linked; plus strand). Cytogenetic location: Xp22.11.
Variant type: Duplication.
Coding change: c.874dup on transcript NM_000444.6 (MANE Select); coding-DNA position 874, one base duplicated (A; older notation c.874dupA).
Protein change: p.Thr292fs; shifts the reading frame from threonine 292.
Molecular consequence: frameshift variant.
Genome position (GRCh38, 1-based): chrX:22,096,979, A duplicated; the last of 2 consecutive A bases (chrX:22,096,978-22,096,979); duplicating either gives the same sequence. VCF-style (leftmost placement, unchanged base first): chrX-22096977-G-GA. GRCh37 (hg19) VCF-style: chrX-22115095-G-GA.
Other names: c.874dup, p.Thr292fs (NM_001282754.2); short protein forms T292fs.
Identifiers: ClinVar variation 1369422 (VCV001369422.8), dbSNP rs2147043596, ClinGen allele CA2573158755.

ClinVar aggregate classification (germline): Pathogenic (1 of 4 stars; one submission).

Submission:

Labcorp Genetics (formerly Invitae), Labcorp
Classification: Pathogenic. Last evaluated: 2021-01-16. Review status: criteria provided, single submitter. Criteria: Invitae Variant Classification Sherloc (09022015). Collection method: clinical testing. Allele origin: germline.
Comment: This sequence change creates a premature translational stop signal (p.Thr292Asnfs*13) in the PHEX gene. It is expected to result in an absent or disrupted protein product. Loss-of-function variants in PHEX are known to be pathogenic (PMID: 9097956, 9106524, 19219621). This variant is not present in population databases (ExAC no frequency). This variant has been observed in individual(s) with hypophosphatemia (Invitae). For these reasons, this variant has been classified as Pathogenic.

Literature cited by the submitters: PubMed 9097956; PubMed 9106524; PubMed 19219621.